The following is an entry in ClinVar:

ClinVar aggregate classification (germline): Uncertain significance. Review status: criteria provided, multiple submitters, no conflicts (2 of 4 stars). 2 submissions from 2 submitters: Uncertain significance (2). Last evaluated 2025-09-01.

Allele frequency attached by ClinVar (database versions not stated): 1000 Genomes Project 30x 0.00031; ESP Exome Variant Server 0.00062; gnomAD exomes 0.00003; 1000 Genomes Project 0.00020; TOPMed 0.00035; ExAC 0.00012; gnomAD 0.00030.
gnomAD v4.1: 93 of 1,614,158 alleles (0.0058%); highest among the groups gnomAD compares: African/African-American, 0.11%; no homozygotes.

Submissions (2):

Labcorp Genetics (formerly Invitae), Labcorp
Classification: Uncertain significance. Last evaluated: 2025-09-01. Review status: criteria provided, single submitter. Criteria: Invitae Variant Classification Sherloc (09022015). Collection method: clinical testing. Allele origin: germline.
Comment: This sequence change replaces isoleucine, which is neutral and non-polar, with methionine, which is neutral and non-polar, at codon 325 of the KANK4 protein (p.Ile325Met). This variant is present in population databases (rs147437442, gnomAD 0.1%), and has an allele count higher than expected for a pathogenic variant. This variant has not been reported in the literature in individuals affected with KANK4-related conditions. ClinVar contains an entry for this variant (Variation ID: 2389521). An algorithm developed to predict the effect of missense changes on protein structure and function (PolyPhen-2) suggests that this variant is likely to be tolerated. In summary, the available evidence is currently insufficient to determine the role of this variant in disease. Therefore, it has been classified as a Variant of Uncertain Significance.

Ambry Genetics
Classification: Uncertain significance. Last evaluated: 2025-01-17. Review status: criteria provided, single submitter. Criteria: Ambry Variant Classification Scheme 2023. Collection method: clinical testing. Allele origin: germline.

NM_181712.5(KANK4):c.975C>G (p.Ile325Met)

Gene: KANK4 (KN motif and ankyrin repeat domains 4; minus strand). Cytogenetic location: 1p31.3.
Variant type: single nucleotide variant.
Coding change: c.975C>G on transcript NM_181712.5 (MANE Select); coding-DNA position 975, C replaced by G.
Protein change: p.Ile325Met; replaces isoleucine 325 with methionine.
Molecular consequence: missense variant. On other transcripts: intron variant (1).
Genome position (GRCh38, 1-based): chr1:62,274,129, G>C on the plus strand (C>G on the coding strand, the complement: KANK4 is on the minus strand). VCF-style: chr1-62274129-G-C. GRCh37 (hg19) VCF-style: chr1-62739801-G-C.
Other names: c.17-2540C>G (NM_001320269.2); short protein forms I325M.
Identifiers: ClinVar variation 2389521 (VCV002389521.6), dbSNP rs147437442, ClinGen allele CA884454.
Genomic context (GRCh38, chr1:62,274,129, plus strand): 5'-CAGGCTGGAGATGCTGCCTGGATCCACCCTGGCAAGGCCCAGGCTTTCCTCAGTTACCCT[G>C]ATGCCAATGCTTCTCATGTCCACCTCTACAGGTGGCGGGGGTGGAATCTCGCTGATGTTG-3'
Protein context (NP_859063.3, residues 315-335): PVEVDMRSIG[Ile325Met]RVTEESLGLA